The following is an entry in ClinVar:

ClinVar aggregate classification (germline): Uncertain significance (1 of 4 stars; one submission).

gnomAD v4.1: 4 of 1,614,028 alleles (0.00025%); highest among the groups gnomAD compares: Non-Finnish European, 0.00034%; no homozygotes.

Submission:

Labcorp Genetics (formerly Invitae), Labcorp
Classification: Uncertain significance. Last evaluated: 2022-05-18. Review status: criteria provided, single submitter. Criteria: Invitae Variant Classification Sherloc (09022015). Collection method: clinical testing. Allele origin: germline.
Comment: This sequence change replaces aspartic acid, which is acidic and polar, with glutamic acid, which is acidic and polar, at codon 297 of the LRP2 protein (p.Asp297Glu). This variant is not present in population databases (gnomAD no frequency). This variant has not been reported in the literature in individuals affected with LRP2-related conditions. Advanced modeling of protein sequence and biophysical properties (such as structural, functional, and spatial information, amino acid conservation, physicochemical variation, residue mobility, and thermodynamic stability) performed at Invitae indicates that this missense variant is expected to disrupt LRP2 protein function. In summary, the available evidence is currently insufficient to determine the role of this variant in disease. Therefore, it has been classified as a Variant of Uncertain Significance.

NM_004525.3(LRP2):c.891T>A (p.Asp297Glu)

Gene: LRP2 (LDL receptor related protein 2; minus strand). Cytogenetic location: 2q31.1.
Variant type: single nucleotide variant.
Coding change: c.891T>A on transcript NM_004525.3 (MANE Select); coding-DNA position 891, T replaced by A.
Protein change: p.Asp297Glu; replaces aspartic acid 297 with glutamic acid.
Molecular consequence: missense variant.
Genome position (GRCh38, 1-based): chr2:169,290,876, A>T on the plus strand (T>A on the coding strand, the complement: LRP2 is on the minus strand). VCF-style: chr2-169290876-A-T. GRCh37 (hg19) VCF-style: chr2-170147386-A-T.
Other names: short protein forms D297E.
Identifiers: ClinVar variation 1972600 (VCV001972600.2), dbSNP rs112343092, ClinGen allele CA349157661.